The following is an entry in ClinVar:

ClinVar aggregate classification (germline): Uncertain significance (1 of 4 stars; one submission).

Conditions:
Walker-Warburg congenital muscular dystrophy. Also called: Muscular dystrophy-dystroglycanopathy, type A; Walker-Warburg syndrome. Identifiers: Orphanet 899, MedGen C0265221, MONDO:0000171.

Submission:

Labcorp Genetics (formerly Invitae), Labcorp
Classification: Uncertain significance for Walker-Warburg congenital muscular dystrophy. Last evaluated: 2019-06-05. Review status: criteria provided, single submitter. Criteria: Invitae Variant Classification Sherloc (09022015). Collection method: clinical testing. Allele origin: germline.
Comment: In summary, the available evidence is currently insufficient to determine the role of this variant in disease. Therefore, it has been classified as a Variant of Uncertain Significance. Algorithms developed to predict the effect of missense changes on protein structure and function are either unavailable or do not agree on the potential impact of this missense change (SIFT: "Deleterious"; PolyPhen-2: "Probably Damaging"; Align-GVGD: "Class C15"). This variant has not been reported in the literature in individuals with FKRP-related conditions. The frequency data for this variant in the population databases is considered unreliable, as metrics indicate insufficient coverage at this position in the ExAC database. This sequence change replaces phenylalanine with valine at codon 223 of the FKRP protein (p.Phe223Val). The phenylalanine residue is highly conserved and there is a small physicochemical difference between phenylalanine and valine.

NM_024301.5(FKRP):c.667T>G (p.Phe223Val)

Gene: FKRP (fukutin related protein; plus strand). Cytogenetic location: 19q13.32.
Variant type: single nucleotide variant.
Coding change: c.667T>G on transcript NM_024301.5 (MANE Select); coding-DNA position 667, T replaced by G.
Protein change: p.Phe223Val; replaces phenylalanine 223 with valine.
Molecular consequence: missense variant.
Genome position (GRCh38, 1-based): chr19:46,756,117, T>G. VCF-style: chr19-46756117-T-G. GRCh37 (hg19) VCF-style: chr19-47259374-T-G.
Other names: c.667T>G, p.Phe223Val (NM_001039885.3); short protein forms F223V.
Identifiers: ClinVar variation 949089 (VCV000949089.8), dbSNP rs2054913534, ClinGen allele CA406495770.
Genomic context (GRCh38, chr19:46,756,117, plus strand): 5'-CGCGCCCGCGACCTCTTCAACCTCTCGGCGCCCCTGGCCCGGCCGGTGGGCACCAGCCTC[T>G]TTCTGCAGACCGCCCTTCGCGGCTGGGCGGTGCAGCTGCTGGACTTGACCTTCGCCGCGG-3'
Protein context (NP_077277.1, residues 213-233): PLARPVGTSL[Phe223Val]LQTALRGWAV